The following is an entry in ClinVar:

ClinVar aggregate classification (germline): Uncertain significance. Review status: criteria provided, multiple submitters, no conflicts (2 of 4 stars). 2 submissions from 2 submitters: Uncertain significance (2). Last evaluated 2024-04-15.

Conditions:
Hereditary cancer-predisposing syndrome. Also called: Tumor predisposition; Hereditary Cancer Syndrome; Hereditary neoplastic syndrome; Neoplastic Syndromes, Hereditary. Identifiers: Orphanet 140162, MedGen C0027672, MeSH D009386, MONDO:0015356.
POLD1-related polyposis and colorectal cancer syndrome (CRCS10). Also called: Colorectal cancer 10; COLORECTAL CANCER, SUSCEPTIBILITY TO, ON CHROMOSOME 19q; Colorectal cancer, susceptibility to, 10. Identifiers: Orphanet 220460, MedGen C2675481, MONDO:0012953, OMIM 612591.

Submissions (2):

Labcorp Genetics (formerly Invitae), Labcorp
Classification: Uncertain significance for POLD1-related polyposis and colorectal cancer syndrome. Last evaluated: 2024-04-15. Review status: criteria provided, single submitter. Criteria: Invitae Variant Classification Sherloc (09022015). Collection method: clinical testing. Allele origin: germline.
Comment: This sequence change replaces histidine, which is basic and polar, with glutamine, which is neutral and polar, at codon 491 of the POLD1 protein (p.His491Gln). This variant is not present in population databases (gnomAD no frequency). This variant has not been reported in the literature in individuals affected with POLD1-related conditions. ClinVar contains an entry for this variant (Variation ID: 1022600). Advanced modeling of protein sequence and biophysical properties (such as structural, functional, and spatial information, amino acid conservation, physicochemical variation, residue mobility, and thermodynamic stability) performed at Invitae indicates that this missense variant is expected to disrupt POLD1 protein function with a positive predictive value of 80%. In summary, the available evidence is currently insufficient to determine the role of this variant in disease. Therefore, it has been classified as a Variant of Uncertain Significance.

Ambry Genetics
Classification: Uncertain significance for Hereditary cancer-predisposing syndrome. Last evaluated: 2023-01-03. Review status: criteria provided, single submitter. Criteria: Ambry Variant Classification Scheme 2023. Collection method: clinical testing. Allele origin: germline.
Comment: The p.H491Q variant (also known as c.1473C>G), located in coding exon 11 of the POLD1 gene, results from a C to G substitution at nucleotide position 1473. The histidine at codon 491 is replaced by glutamine, an amino acid with highly similar properties. This amino acid position is conserved. In addition, this alteration is predicted to be tolerated by in silico analysis. Since supporting evidence is limited at this time, the clinical significance of this alteration remains unclear.

NM_002691.4(POLD1):c.1473C>G (p.His491Gln)

Gene: POLD1 (DNA polymerase delta 1, catalytic subunit; plus strand). Cytogenetic location: 19q13.33.
Variant type: single nucleotide variant.
Coding change: c.1473C>G on transcript NM_002691.4 (MANE Select); coding-DNA position 1473, C replaced by G.
Protein change: p.His491Gln; replaces histidine 491 with glutamine.
Molecular consequence: missense variant. On other transcripts: non-coding transcript variant (1).
Genome position (GRCh38, 1-based): chr19:50,406,496, C>G. VCF-style: chr19-50406496-C-G. GRCh37 (hg19) VCF-style: chr19-50909753-C-G.
Other names: c.1473C>G (NM_002691.2); c.1473C>G, p.His491Gln (NM_001256849.1, NM_001308632.1); short protein forms H491Q.
Identifiers: ClinVar variation 1022600 (VCV001022600.10), dbSNP rs2038889765, ClinGen allele CA406980284.